The following is an entry in ClinVar:

ClinVar aggregate classification (germline): Uncertain significance. Review status: criteria provided, multiple submitters, no conflicts (2 of 4 stars). 2 submissions from 2 submitters: Uncertain significance (2). Last evaluated 2024-03-02.

Allele frequency attached by ClinVar (database versions not stated): gnomAD 0.00008; gnomAD exomes 0.00009; TOPMed 0.00011; ESP Exome Variant Server 0.00015; ExAC 0.00018; 1000 Genomes Project 0.00020; 1000 Genomes Project 30x 0.00031.
gnomAD v4.1: 153 of 1,614,038 alleles (0.0095%); highest among the groups gnomAD compares: Admixed American, 0.028%; no homozygotes.

Submissions (2):

Labcorp Genetics (formerly Invitae), Labcorp
Classification: Uncertain significance. Last evaluated: 2024-03-02. Review status: criteria provided, single submitter. Criteria: Invitae Variant Classification Sherloc (09022015). Collection method: clinical testing. Allele origin: germline.
Comment: This sequence change replaces glycine, which is neutral and non-polar, with arginine, which is basic and polar, at codon 224 of the CYC1 protein (p.Gly224Arg). This variant is present in population databases (rs148021370, gnomAD 0.02%). This variant has not been reported in the literature in individuals affected with CYC1-related conditions. ClinVar contains an entry for this variant (Variation ID: 2067092). Advanced modeling of protein sequence and biophysical properties (such as structural, functional, and spatial information, amino acid conservation, physicochemical variation, residue mobility, and thermodynamic stability) performed at Invitae indicates that this missense variant is expected to disrupt CYC1 protein function with a positive predictive value of 80%. In summary, the available evidence is currently insufficient to determine the role of this variant in disease. Therefore, it has been classified as a Variant of Uncertain Significance.

Ambry Genetics
Classification: Uncertain significance. Last evaluated: 2024-01-22. Review status: criteria provided, single submitter. Criteria: Ambry Variant Classification Scheme 2023. Collection method: clinical testing. Allele origin: germline.

NM_001916.5(CYC1):c.670G>A (p.Gly224Arg)

Gene: CYC1 (cytochrome c1; plus strand). Cytogenetic location: 8q24.3.
Variant type: single nucleotide variant.
Coding change: c.670G>A on transcript NM_001916.5 (MANE Select); coding-DNA position 670, G replaced by A.
Protein change: p.Gly224Arg; replaces glycine 224 with arginine.
Molecular consequence: missense variant.
Genome position (GRCh38, 1-based): chr8:144,096,642, G>A. VCF-style: chr8-144096642-G-A. GRCh37 (hg19) VCF-style: chr8-145151545-G-A.
Other names: short protein forms G224R.
Identifiers: ClinVar variation 2067092 (VCV002067092.4), dbSNP rs148021370, ClinGen allele CA4933482.
Genomic context (GRCh38, chr8:144,096,642, plus strand): 5'-AGGCATGGTGGTGAGGACTACGTCTTCTCCCTGCTCACGGGCTACTGCGAGCCACCCACC[G>A]GGGTGTCACTGCGGGAAGGTCTCTACTTCAACCCCTACTTTCCTGGCCAGGCCATTGCCA-3'
Protein context (NP_001907.3, residues 214-234): LLTGYCEPPT[Gly224Arg]VSLREGLYFN